The following is an entry in ClinVar:

ClinVar aggregate classification (germline): Conflicting classifications of pathogenicity. Review status: criteria provided, conflicting classifications (1 of 4 stars). 4 submissions from 4 submitters: Likely pathogenic (1); Uncertain significance (2); Likely benign (1). Last evaluated 2026-04-14.

Conditions:
ABCB11-related disorder. Also called: ABCB11-related condition.
Familial intrahepatic cholestasis. Identifiers: Orphanet 284385, MedGen CN296401, MONDO:0017290.

Allele frequency attached by ClinVar (database versions not stated): ExAC 0.00002; gnomAD exomes 0.00002; ESP Exome Variant Server 0.00008.
gnomAD v4.1: 52 of 1,612,510 alleles (0.0032%); highest among the groups gnomAD compares: African/African-American, 0.065%; 1 homozygote.

Submissions (4):

Genomenon, Inc
Classification: Uncertain significance for Familial intrahepatic cholestasis. Last evaluated: 2026-04-14. Review status: criteria provided, single submitter. Criteria: Genomenon Sequence Variant Interpretation Standards - Updated. Collection method: curation. Allele origin: germline. Affected: yes.
Comment: ABCB11 p.Tyr818Phe (c.2453A>T) is a missense variant that changes the amino acid at residue 818 from Tyrosine to Phenylalanine. This variant has been observed in at least one proband with an ABCB11-related disorder (PMID:19101985). Functional studies have been reported (PMID:19101985;19642168). It is absent or not present at a significant frequency in gnomAD. In conclusion, we classify ABCB11 p.Tyr818Phe (c.2453A>T) as a variant of uncertain significance.

Labcorp Genetics (formerly Invitae), Labcorp
Classification: Likely benign. Last evaluated: 2025-12-08. Review status: criteria provided, single submitter. Criteria: Invitae Variant Classification Sherloc (09022015). Collection method: clinical testing. Allele origin: germline.

GeneDx
Classification: Uncertain significance. Last evaluated: 2019-11-22. Review status: criteria provided, single submitter. Criteria: GeneDx Variant Classification Process June 2021. Collection method: clinical testing. Allele origin: germline. Affected: yes.
Comment: Published functional studies suggest a damaging effect (reduction of mature BSEP protein) (Byrne et al., 2009); In silico analysis, which includes protein predictors and evolutionary conservation, supports that this variant does not alter protein structure/function; This variant is associated with the following publications: (PMID: 19101985, 19642168, 20583290, 27932171, 25342496)

Blueprint Genetics
Classification: Likely pathogenic for ABCB11-related disorders. Last evaluated: 2018-02-08. Review status: criteria provided, single submitter. Criteria: ACMG Guidelines, 2015. Collection method: clinical testing. Allele origin: germline. Affected: yes. Observed: 1 variant allele.

Literature cited by the submitters: PubMed 19101985 (cited by Genomenon, Inc); PubMed 19642168 (cited by Genomenon, Inc).

NM_003742.4(ABCB11):c.2453A>T (p.Tyr818Phe)

Gene: ABCB11 (ATP binding cassette subfamily B member 11; minus strand). Cytogenetic location: 2q31.1.
Variant type: single nucleotide variant.
Coding change: c.2453A>T on transcript NM_003742.4 (MANE Select); coding-DNA position 2453, A replaced by T.
Protein change: p.Tyr818Phe; replaces tyrosine 818 with phenylalanine.
Molecular consequence: missense variant.
Genome position (GRCh38, 1-based): chr2:168,944,762, T>A on the plus strand (A>T on the coding strand, the complement: ABCB11 is on the minus strand). VCF-style: chr2-168944762-T-A. GRCh37 (hg19) VCF-style: chr2-169801272-T-A.
Other names: short protein forms Y818F.
Identifiers: ClinVar variation 1303188 (VCV001303188.8), dbSNP rs374548469, ClinGen allele CA1951273.